The following is an entry in ClinVar:

ClinVar aggregate classification (germline): Uncertain significance (1 of 4 stars; one submission).

gnomAD v4.1: 1 of 1,614,080 alleles (0.000062%); no homozygotes.

Submission:

Labcorp Genetics (formerly Invitae), Labcorp
Classification: Uncertain significance. Last evaluated: 2022-09-13. Review status: criteria provided, single submitter. Criteria: Invitae Variant Classification Sherloc (09022015). Collection method: clinical testing. Allele origin: germline.
Comment: This sequence change replaces proline, which is neutral and non-polar, with threonine, which is neutral and polar, at codon 692 of the WHRN protein (p.Pro692Thr). In summary, the available evidence is currently insufficient to determine the role of this variant in disease. Therefore, it has been classified as a Variant of Uncertain Significance. Algorithms developed to predict the effect of missense changes on protein structure and function (SIFT, PolyPhen-2, Align-GVGD) all suggest that this variant is likely to be tolerated. ClinVar contains an entry for this variant (Variation ID: 1518467). This variant has not been reported in the literature in individuals affected with WHRN-related conditions. This variant is not present in population databases (gnomAD no frequency).

NM_015404.4(WHRN):c.2074C>A (p.Pro692Thr)

Gene: WHRN (whirlin; minus strand). Cytogenetic location: 9q32.
Variant type: single nucleotide variant.
Coding change: c.2074C>A on transcript NM_015404.4 (MANE Select); coding-DNA position 2074, C replaced by A.
Protein change: p.Pro692Thr; replaces proline 692 with threonine.
Molecular consequence: missense variant.
Genome position (GRCh38, 1-based): chr9:114,406,517, G>T on the plus strand (C>A on the coding strand, the complement: WHRN is on the minus strand). VCF-style: chr9-114406517-G-T. GRCh37 (hg19) VCF-style: chr9-117168797-G-T.
Other names: c.925C>A, p.Pro309Thr (NM_001083885.3); c.2074C>A, p.Pro692Thr (NM_001173425.2); c.1021C>A, p.Pro341Thr (NM_001346890.1); short protein forms P341T, P309T, P692T.
Identifiers: ClinVar variation 1518467 (VCV001518467.6), dbSNP rs1835039409, ClinGen allele CA374620354.